The following is an entry in ClinVar:

ClinVar aggregate classification (germline): Uncertain significance (1 of 4 stars; one submission).

Conditions:
Rhabdoid tumor predisposition syndrome 2 (RTPS2). Identifiers: Orphanet 231108, Orphanet 69077, MedGen C2750074, MONDO:0013224, OMIM 613325.

Submission:

Labcorp Genetics (formerly Invitae), Labcorp
Classification: Uncertain significance for Rhabdoid tumor predisposition syndrome 2. Last evaluated: 2023-09-20. Review status: criteria provided, single submitter. Criteria: Invitae Variant Classification Sherloc (09022015). Collection method: clinical testing. Allele origin: germline.
Comment: In summary, the available evidence is currently insufficient to determine the role of this variant in disease. Therefore, it has been classified as a Variant of Uncertain Significance. Advanced modeling of protein sequence and biophysical properties (such as structural, functional, and spatial information, amino acid conservation, physicochemical variation, residue mobility, and thermodynamic stability) performed at Invitae indicates that this missense variant is expected to disrupt SMARCA4 protein function. This variant has not been reported in the literature in individuals affected with SMARCA4-related conditions. This variant is not present in population databases (gnomAD no frequency). This sequence change replaces tyrosine, which is neutral and polar, with cysteine, which is neutral and slightly polar, at codon 901 of the SMARCA4 protein (p.Tyr901Cys).

NM_003072.5(SMARCA4):c.2702A>G (p.Tyr901Cys)

Gene: SMARCA4 (SWI/SNF related BAF chromatin remodeling complex subunit ATPase 4; plus strand). Cytogenetic location: 19p13.2.
Variant type: single nucleotide variant.
Coding change: c.2702A>G on transcript NM_003072.5 (MANE Select); coding-DNA position 2702, A replaced by G.
Protein change: p.Tyr901Cys; replaces tyrosine 901 with cysteine.
Molecular consequence: missense variant. On other transcripts: non-coding transcript variant (1).
Genome position (GRCh38, 1-based): chr19:11,021,810, A>G. VCF-style: chr19-11021810-A-G. GRCh37 (hg19) VCF-style: chr19-11132486-A-G.
Other names: c.2702A>G, p.Tyr901Cys (NM_001128844.3, NM_001128845.2, NM_001128846.2 and 6 more transcripts); short protein forms Y901C.
Identifiers: ClinVar variation 3007990 (VCV003007990.3), dbSNP rs2146418107, ClinGen allele CA404056090.